The following is an entry in ClinVar:

NM_006231.4(POLE):c.342A>T (p.Arg114=)

Gene: POLE (DNA polymerase epsilon, catalytic subunit; minus strand). Cytogenetic location: 12q24.33.
Variant type: single nucleotide variant.
Coding change: c.342A>T on transcript NM_006231.4 (MANE Select); coding-DNA position 342, A replaced by T.
Protein change: p.Arg114=; no amino-acid change (arginine 114 retained).
Molecular consequence: synonymous variant.
Genome position (GRCh38, 1-based): chr12:132,680,035, T>A on the plus strand (A>T on the coding strand, the complement: POLE is on the minus strand). VCF-style: chr12-132680035-T-A. GRCh37 (hg19) VCF-style: chr12-133256621-T-A.
Other names: c.342A>T (NM_006231.2).
Identifiers: ClinVar variation 797641 (VCV000797641.11), dbSNP rs1593086031, ClinGen allele CA482725072.

ClinVar aggregate classification (germline): Conflicting classifications of pathogenicity. Review status: criteria provided, conflicting classifications (1 of 4 stars). 2 submissions from 2 submitters: Uncertain significance (1); Likely benign (1). Last evaluated 2025-12-08.

Conditions:
Hereditary cancer-predisposing syndrome. Also called: Neoplastic Syndromes, Hereditary; Hereditary neoplastic syndrome; Tumor predisposition; Hereditary Cancer Syndrome. Identifiers: Orphanet 140162, MedGen C0027672, MeSH D009386, MONDO:0015356.

Submissions (2):

Ambry Genetics
Classification: Uncertain significance for Hereditary cancer-predisposing syndrome. Last evaluated: 2025-12-08. Review status: criteria provided, single submitter. Criteria: Ambry Variant Classification Scheme 2023. Collection method: clinical testing. Allele origin: germline.
Comment: The c.342A>T variant (also known as p.R114R), located in coding exon 5 of the POLE gene, results from an A to T substitution at nucleotide position 342. This nucleotide substitution does not change the arginine at codon 114. This nucleotide position is not well conserved in available vertebrate species. In silico splice site analysis for this alteration is inconclusive. Based on the available evidence, the clinical significance of this variant remains unclear.

Labcorp Genetics (formerly Invitae), Labcorp
Classification: Likely benign. Last evaluated: 2025-10-08. Review status: criteria provided, single submitter. Criteria: Invitae Variant Classification Sherloc (09022015). Collection method: clinical testing. Allele origin: germline.